The following is an entry in ClinVar:

NM_014874.4(MFN2):c.386C>T (p.Thr129Ile)

Gene: MFN2 (mitofusin 2; plus strand). Cytogenetic location: 1p36.22.
Variant type: single nucleotide variant.
Coding change: c.386C>T on transcript NM_014874.4 (MANE Select); coding-DNA position 386, C replaced by T.
Protein change: p.Thr129Ile; replaces threonine 129 with isoleucine.
Molecular consequence: missense variant.
Genome position (GRCh38, 1-based): chr1:11,996,230, C>T. VCF-style: chr1-11996230-C-T. GRCh37 (hg19) VCF-style: chr1-12056287-C-T.
Other names: c.386C>T, p.Thr129Ile (NM_001127660.2); short protein forms T129I.
Identifiers: ClinVar variation 408325 (VCV000408325.8), dbSNP rs1060501919, ClinGen allele CA16609864.

ClinVar aggregate classification (germline): Uncertain significance (1 of 4 stars; one submission).

Conditions:
Charcot-Marie-Tooth disease type 2. Also called: Charcot-Marie-Tooth type 2. Identifiers: Orphanet 64746, MedGen C0270914, MONDO:0018993.

Submission:

Labcorp Genetics (formerly Invitae), Labcorp
Classification: Uncertain significance for Charcot-Marie-Tooth disease type 2. Last evaluated: 2018-09-06. Review status: criteria provided, single submitter. Criteria: Invitae Variant Classification Sherloc (09022015). Collection method: clinical testing. Allele origin: germline.
Comment: In summary, the available evidence is currently insufficient to determine the role of this variant in disease. Therefore, it has been classified as a Variant of Uncertain Significance. This variant disrupts the p.Thr129 amino acid residue in MFN2. Other variants that disrupt this residue have been observed in affected individuals (PMID: 26801520, 28215760), which suggests that this may be a clinically significant amino acid residue. Algorithms developed to predict the effect of missense changes on protein structure and function (SIFT, PolyPhen-2, Align-GVGD) all suggest that this variant is likely to be disruptive, but these predictions have not been confirmed by published functional studies and their clinical significance is uncertain. This variant has not been reported in the literature in individuals with MFN2-related disease. This variant is not present in population databases (ExAC no frequency). This sequence change replaces threonine with isoleucine at codon 129 of the MFN2 protein (p.Thr129Ile). The threonine residue is highly conserved and there is a moderate physicochemical difference between threonine and isoleucine.

Literature cited by the submitters: PubMed 26801520; PubMed 28215760.